The following is an entry in ClinVar:

ClinVar aggregate classification (germline): Benign/Likely benign. Review status: criteria provided, multiple submitters, no conflicts (2 of 4 stars). 2 submissions from 2 submitters: Benign (1); Likely benign (1). Last evaluated 2025-03-04.

Conditions:
Familial adenomatous polyposis 1 (FAP1). Also called: POLYPOSIS, ADENOMATOUS INTESTINAL; FAMILIAL ADENOMATOUS POLYPOSIS 1, ATTENUATED. Identifiers: MedGen C2713442, MONDO:0021056, OMIM 175100. Disease mechanism: loss of function.

gnomAD v4.1: 1 of 1,613,976 alleles (0.000062%); highest among the groups gnomAD compares: Non-Finnish European, 0.000085%; no homozygotes.

Submissions (2):

Center for Genomic Medicine, Rigshospitalet, Copenhagen University Hospital
Classification: Likely benign. Last evaluated: 2025-03-04. Review status: criteria provided, single submitter. Criteria: ACMG Guidelines, 2015. Collection method: clinical testing. Allele origin: germline.

Myriad Genetics, Inc.
Classification: Benign for Familial adenomatous polyposis 1. Last evaluated: 2024-03-01. Review status: criteria provided, single submitter. Criteria: Myriad Autosomal Dominant, Autosomal Recessive and X-Linked Classification Criteria (2023). Collection method: clinical testing. Allele origin: unknown.
Comment: This variant is considered benign. This variant is a silent/synonymous amino acid change and it is not expected to impact splicing.

NM_000038.6(APC):c.1161C>T (p.Leu387=)

Gene: APC (APC regulator of Wnt signaling pathway; plus strand). Cytogenetic location: 5q22.2.
Variant type: single nucleotide variant.
Coding change: c.1161C>T on transcript NM_000038.6 (MANE Select); coding-DNA position 1161, C replaced by T.
Protein change: p.Leu387=; no amino-acid change (leucine 387 retained).
Molecular consequence: synonymous variant. On other transcripts: non-coding transcript variant (2), intron variant (15).
Genome position (GRCh38, 1-based): chr5:112,819,193, C>T. VCF-style: chr5-112819193-C-T. GRCh37 (hg19) VCF-style: chr5-112154890-C-T.
Other names: c.1161C>T, p.Leu387= (NM_001127510.3, NM_001354895.2, NM_001354896.2 and 4 more transcripts); c.1107C>T, p.Leu369= (NM_001127511.3); c.1191C>T, p.Leu397= (NM_001354897.2, NM_001407446.1); c.1086C>T, p.Leu362= (NM_001354898.2, NM_001407451.1); c.1077C>T, p.Leu359= (NM_001354899.2, NM_001407452.1); c.984C>T, p.Leu328= (NM_001354900.2, NM_001354901.2, NM_001407453.1); c.312C>T, p.Leu104= (NM_001354906.2, NM_001407470.1); c.85-76C>T (NM_001407472.1, NM_001407471.1); and 5 more.
Identifiers: ClinVar variation 3148156 (VCV003148156.3), dbSNP rs1762846371, ClinGen allele CA445960322.
Genomic context (GRCh38, chr5:112,819,193, plus strand): 5'-TGTATTGTTGGGAAATTCCCGGGGCAGTAAAGAGGCTCGGGCCAGGGCCAGTGCAGCACT[C>T]CACAACATCATTCACTCACAGCCTGATGACAAGAGAGGCAGGCGTGAAATCCGAGTCCTT-3'
Protein context (NP_000029.2, residues 377-397): KEARARASAA[Leu387=]HNIIHSQPDD